The following is an entry in ClinVar:

ClinVar aggregate classification (germline): Uncertain significance (1 of 4 stars; one submission).

Conditions:
Long QT syndrome (LQTS). Identifiers: MedGen C0023976, MeSH D008133, MONDO:0002442. Disease mechanism: loss of function. Inheritance: Various modes of inheritance.

Submission:

Labcorp Genetics (formerly Invitae), Labcorp
Classification: Uncertain significance for Long QT syndrome. Last evaluated: 2024-06-11. Review status: criteria provided, single submitter. Criteria: Invitae Variant Classification Sherloc (09022015). Collection method: clinical testing. Allele origin: germline.
Comment: This sequence change replaces alanine, which is neutral and non-polar, with threonine, which is neutral and polar, at codon 72 of the KCNQ1 protein (p.Ala72Thr). This variant is not present in population databases (gnomAD no frequency). This variant has not been reported in the literature in individuals affected with KCNQ1-related conditions. Advanced modeling of protein sequence and biophysical properties (such as structural, functional, and spatial information, amino acid conservation, physicochemical variation, residue mobility, and thermodynamic stability) has been performed at Invitae for this missense variant, however the output from this modeling did not meet the statistical confidence thresholds required to predict the impact of this variant on KCNQ1 protein function. In summary, the available evidence is currently insufficient to determine the role of this variant in disease. Therefore, it has been classified as a Variant of Uncertain Significance.

NM_000218.3(KCNQ1):c.214G>A (p.Ala72Thr)

Gene: KCNQ1 (potassium voltage-gated channel subfamily Q member 1; plus strand). Cytogenetic location: 11p15.5.
Variant type: single nucleotide variant.
Coding change: c.214G>A on transcript NM_000218.3 (MANE Select); coding-DNA position 214, G replaced by A.
Protein change: p.Ala72Thr; replaces alanine 72 with threonine.
Molecular consequence: missense variant. On other transcripts: 5 prime UTR variant (1).
Genome position (GRCh38, 1-based): chr11:2,445,312, G>A. VCF-style: chr11-2445312-G-A. GRCh37 (hg19) VCF-style: chr11-2466542-G-A.
Other names: c.214G>A, p.Ala72Thr (NM_001406836.1, NM_001406838.1); c.-149G>A (NM_001406837.1); short protein forms A72T.
Identifiers: ClinVar variation 3694076 (VCV003694076.2).
Genomic context (GRCh38, chr11:2,445,312, plus strand): 5'-GCGCCCATCGCGCCCGGCGCCCCAGGTCCCGCGCCCCCTGCGTCCCCGGCCGCGCCCGCC[G>A]CGCCCCCAGTTGCCTCCGACCTTGGCCCGCGGCCGCCGGTGAGCCTAGACCCGCGCGTCT-3'
Protein context (NP_000209.2, residues 62-82): APPASPAAPA[Ala72Thr]PPVASDLGPR